The following is an entry in ClinVar:

NM_020964.3(EPG5):c.3964C>T (p.Arg1322Cys)

Gene: EPG5 (ectopic P-granules 5 autophagy tethering factor; minus strand). Cytogenetic location: 18q21.1.
Variant type: single nucleotide variant.
Coding change: c.3964C>T on transcript NM_020964.3 (MANE Select); coding-DNA position 3964, C replaced by T.
Protein change: p.Arg1322Cys; replaces arginine 1322 with cysteine.
Molecular consequence: missense variant.
Genome position (GRCh38, 1-based): chr18:45,912,309, G>A on the plus strand (C>T on the coding strand, the complement: EPG5 is on the minus strand). VCF-style: chr18-45912309-G-A. GRCh37 (hg19) VCF-style: chr18-43492274-G-A.
Other names: c.3964C>T (NM_020964.2); short protein forms R1322C.
Identifiers: ClinVar variation 1396583 (VCV001396583.9), dbSNP rs201983775, ClinGen allele CA8949024.

ClinVar aggregate classification (germline): Uncertain significance. Review status: criteria provided, multiple submitters, no conflicts (2 of 4 stars). 3 submissions from 3 submitters: Uncertain significance (3). Last evaluated 2026-01-26.

Conditions:
Inborn genetic diseases. Identifiers: MedGen C0950123, MeSH D030342.
Vici syndrome (VICIS). Identifiers: Orphanet 1493, MedGen C1855772, MONDO:0009452, OMIM 242840.

Allele frequency attached by ClinVar (database versions not stated): gnomAD 0.00002 and 0.00004; gnomAD exomes 0.00003 and 0.00007; TOPMed 0.00005; ESP Exome Variant Server 0.00008; ExAC 0.00010; 1000 Genomes Project 30x 0.00047; 1000 Genomes Project 0.00060.
gnomAD v4.1: 56 of 1,601,432 alleles (0.0035%); highest among the groups gnomAD compares: South Asian, 0.028%; no homozygotes.

Submissions (3):

Labcorp Genetics (formerly Invitae), Labcorp
Classification: Uncertain significance for Vici syndrome. Last evaluated: 2026-01-26. Review status: criteria provided, single submitter. Criteria: Invitae Variant Classification Sherloc (09022015). Collection method: clinical testing. Allele origin: germline.
Comment: This sequence change replaces arginine, which is basic and polar, with cysteine, which is neutral and slightly polar, at codon 1322 of the EPG5 protein (p.Arg1322Cys). This variant is present in population databases (rs201983775, gnomAD 0.04%). This variant has not been reported in the literature in individuals affected with EPG5-related conditions. ClinVar contains an entry for this variant (Variation ID: 1396583). Invitae Evidence Modeling of protein sequence and biophysical properties (such as structural, functional, and spatial information, amino acid conservation, physicochemical variation, residue mobility, and thermodynamic stability) indicates that this missense variant is expected to disrupt EPG5 protein function with a positive predictive value of 80%. In summary, the available evidence is currently insufficient to determine the role of this variant in disease. Therefore, it has been classified as a Variant of Uncertain Significance.

Blueprint Genetics
Classification: Uncertain significance. Last evaluated: 2023-07-18. Review status: criteria provided, single submitter. Criteria: ACMG Guidelines, 2015. Collection method: clinical testing. Allele origin: germline.

Ambry Genetics
Classification: Uncertain significance for Inborn genetic diseases. Last evaluated: 2021-10-26. Review status: criteria provided, single submitter. Criteria: Ambry Variant Classification Scheme 2023. Collection method: clinical testing. Allele origin: germline.